The following is an entry in ClinVar:

ClinVar aggregate classification (germline): Uncertain significance. Review status: criteria provided, multiple submitters, no conflicts (2 of 4 stars). 3 submissions from 3 submitters: Uncertain significance (3). Last evaluated 2026-01-12.

Conditions:
Lipodystrophy, partial, acquired, susceptibility to (APLD). Also called: APLD, SUSCEPTIBILITY TO. Identifiers: MedGen C3887501, MONDO:0100476, OMIM 608709.
Progressive myoclonic epilepsy type 9. Identifiers: Orphanet 457265, MedGen C4225289, MONDO:0014685, OMIM 616540.

Allele frequency attached by ClinVar (database versions not stated): gnomAD 0.00002; TOPMed 0.00003; ExAC 0.00004; gnomAD exomes 0.00004 and 0.00005.
gnomAD v4.1: 66 of 1,610,990 alleles (0.0041%); highest among the groups gnomAD compares: Admixed American, 0.0083%; no homozygotes.

Submissions (3):

Labcorp Genetics (formerly Invitae), Labcorp
Classification: Uncertain significance for Progressive myoclonic epilepsy type 9; Lipodystrophy, partial, acquired, susceptibility to. Last evaluated: 2026-01-12. Review status: criteria provided, single submitter. Criteria: Invitae Variant Classification Sherloc (09022015). Collection method: clinical testing. Allele origin: germline.
Comment: This sequence change replaces arginine, which is basic and polar, with histidine, which is basic and polar, at codon 148 of the LMNB2 protein (p.Arg148His). This variant is present in population databases (rs779429811, gnomAD 0.01%). This variant has not been reported in the literature in individuals affected with LMNB2-related conditions. ClinVar contains an entry for this variant (Variation ID: 475784). Invitae Evidence Modeling of protein sequence and biophysical properties (such as structural, functional, and spatial information, amino acid conservation, physicochemical variation, residue mobility, and thermodynamic stability) has been performed for this missense variant. However, the output from this modeling did not meet the statistical confidence thresholds required to predict the impact of this variant on LMNB2 protein function. In summary, the available evidence is currently insufficient to determine the role of this variant in disease. Therefore, it has been classified as a Variant of Uncertain Significance.

Women's Health and Genetics/Laboratory Corporation of America, LabCorp
Classification: Uncertain significance. Last evaluated: 2025-11-19. Review status: criteria provided, single submitter. Criteria: LabCorp Variant Classification Summary - May 2015. Collection method: clinical testing. Allele origin: germline.
Comment: Variant summary: LMNB2 c.443G>A (p.Arg148His) results in a non-conservative amino acid change in the encoded protein sequence. Algorithms developed to predict the effect of missense changes on protein structure and function are either unavailable or do not agree on the potential impact of this missense change. The variant allele was found at a frequency of 5.3e-05 in 246858 control chromosomes. This frequency is not significantly higher than estimated for disease-causing variants in LMNB2, allowing no conclusion about variant significance. To our knowledge, no occurrence of c.443G>A in individuals affected with LMNB2-related conditions and no experimental evidence demonstrating its impact on protein function have been reported. ClinVar contains an entry for this variant (Variation ID: 475784). Based on the evidence outlined above, the variant was classified as uncertain significance.

Ambry Genetics
Classification: Uncertain significance. Last evaluated: 2025-01-09. Review status: criteria provided, single submitter. Criteria: Ambry Variant Classification Scheme 2023. Collection method: clinical testing. Allele origin: germline.

NM_032737.4(LMNB2):c.443G>A (p.Arg148His)

Gene: LMNB2 (lamin B2; minus strand). Cytogenetic location: 19p13.3.
Variant type: single nucleotide variant.
Coding change: c.443G>A on transcript NM_032737.4 (MANE Select); coding-DNA position 443, G replaced by A.
Protein change: p.Arg148His; replaces arginine 148 with histidine.
Molecular consequence: missense variant.
Genome position (GRCh38, 1-based): chr19:2,438,490, C>T on the plus strand (G>A on the coding strand, the complement: LMNB2 is on the minus strand). VCF-style: chr19-2438490-C-T. GRCh37 (hg19) VCF-style: chr19-2438488-C-T.
Other names: c.383G>A (NM_032737.2); short protein forms R148H.
Identifiers: ClinVar variation 475784 (VCV000475784.11), dbSNP rs779429811, ClinGen allele CA9067884.